The following is an entry in ClinVar:

ClinVar aggregate classification (germline): Uncertain significance (1 of 4 stars; one submission).

Conditions:
Neuropathy, hereditary sensory, type 2C. Also called: Hereditary sensory and autonomic neuropathy type IIC; KIF1A-Related HSAN2 (HSAN2C). Identifiers: Orphanet 970, MedGen C3280168, MONDO:0013634, OMIM 614213.
Hereditary spastic paraplegia 30. Identifiers: Orphanet 101010, MedGen C5235139, MONDO:0012476.
Intellectual disability, autosomal dominant 9 (NESCAVS). Also called: NESCAV SYNDROME; KIF1A-Related Neurodevelopmental Disorder. Identifiers: Orphanet 662367, MedGen C5393830, MONDO:0013656, OMIM 614255.

Allele frequency attached by ClinVar (database versions not stated): gnomAD 0.00001.
gnomAD v4.1: 2 of 1,610,206 alleles (0.00012%); highest among the groups gnomAD compares: Admixed American, 0.0017%; no homozygotes.

Submission:

Labcorp Genetics (formerly Invitae), Labcorp
Classification: Uncertain significance for Hereditary spastic paraplegia 30; Neuropathy, hereditary sensory, type 2C; Intellectual disability, autosomal dominant 9. Last evaluated: 2023-10-16. Review status: criteria provided, single submitter. Criteria: Invitae Variant Classification Sherloc (09022015). Collection method: clinical testing. Allele origin: germline.
Comment: This sequence change replaces glutamic acid, which is acidic and polar, with lysine, which is basic and polar, at codon 821 of the KIF1A protein (p.Glu821Lys). This variant is not present in population databases (gnomAD no frequency). This variant has not been reported in the literature in individuals affected with KIF1A-related conditions. Advanced modeling of protein sequence and biophysical properties (such as structural, functional, and spatial information, amino acid conservation, physicochemical variation, residue mobility, and thermodynamic stability) has been performed at Invitae for this missense variant, however the output from this modeling did not meet the statistical confidence thresholds required to predict the impact of this variant on KIF1A protein function. In summary, the available evidence is currently insufficient to determine the role of this variant in disease. Therefore, it has been classified as a Variant of Uncertain Significance.

NM_001244008.2(KIF1A):c.2488G>A (p.Glu830Lys)

Gene: KIF1A (kinesin family member 1A; minus strand). Cytogenetic location: 2q37.3.
Variant type: single nucleotide variant.
Coding change: c.2488G>A on transcript NM_001244008.2 (MANE Select); coding-DNA position 2488, G replaced by A.
Protein change: p.Glu830Lys; replaces glutamic acid 830 with lysine.
Molecular consequence: missense variant.
Genome position (GRCh38, 1-based): chr2:240,758,454, C>T on the plus strand (G>A on the coding strand, the complement: KIF1A is on the minus strand). VCF-style: chr2-240758454-C-T. GRCh37 (hg19) VCF-style: chr2-241697871-C-T.
Other names: c.2488G>A, p.Glu830Lys (NM_001320705.2, NM_001330289.2, NM_001379638.1); c.2563G>A, p.Glu855Lys (NM_001330290.2, NM_001379631.1, NM_001379634.1 and 2 more transcripts); c.2461G>A, p.Glu821Lys (NM_001379632.1, NM_001379633.1, NM_001379636.1 and 11 more transcripts); c.2536G>A, p.Glu846Lys (NM_001379637.1, NM_001379648.1); short protein forms E821K, E846K, E830K, E855K.
Identifiers: ClinVar variation 2923152 (VCV002923152.3), dbSNP rs939213335, ClinGen allele CA68170678.
Genomic context (GRCh38, chr2:240,758,454, plus strand): 5'-AGAAGGGGTCTCCGCCGGTCACCACGTTGTCACAGTCCTCGATGACACTGGAGGGCACCT[C>T]TGCAGCGCGGTCGTACATCTCCCGCATCAGGTCCAGACGCTGCCTGCAGGGACGGCAGGG-3'
Protein context (NP_001230937.1, residues 820-840): LMREMYDRAA[Glu830Lys]VPSSVIEDCD